The following is an entry in ClinVar:

ClinVar aggregate classification (germline): Uncertain significance (1 of 4 stars; one submission).

Allele frequency attached by ClinVar (database versions not stated): gnomAD exomes below 0.00001.
gnomAD v4.1: 2 of 1,613,120 alleles (0.00012%); highest among the groups gnomAD compares: Non-Finnish European, 0.00017%; no homozygotes.

Submission:

GeneDx
Classification: Uncertain significance. Last evaluated: 2019-11-26. Review status: criteria provided, single submitter. Criteria: GeneDx Variant Classification Process June 2021. Collection method: clinical testing. Allele origin: germline. Affected: yes.
Comment: Not observed in large population cohorts (Lek et al., 2016); In silico analysis, which includes protein predictors and evolutionary conservation, supports that this variant does not alter protein structure/function; Has not been previously published as pathogenic or benign germline variant to our knowledge

NM_004958.4(MTOR):c.289G>A (p.Glu97Lys)

Gene: MTOR (mechanistic target of rapamycin kinase; minus strand). Cytogenetic location: 1p36.22.
Variant type: single nucleotide variant.
Coding change: c.289G>A on transcript NM_004958.4 (MANE Select); coding-DNA position 289, G replaced by A.
Protein change: p.Glu97Lys; replaces glutamic acid 97 with lysine.
Molecular consequence: missense variant. On other transcripts: 5 prime UTR variant (1).
Genome position (GRCh38, 1-based): chr1:11,257,148, C>T on the plus strand (G>A on the coding strand, the complement: MTOR is on the minus strand). VCF-style: chr1-11257148-C-T. GRCh37 (hg19) VCF-style: chr1-11317205-C-T.
Other names: c.289G>A, p.Glu97Lys (NM_001386500.1); c.-851G>A (NM_001386501.1); short protein forms E97K.
Identifiers: ClinVar variation 1309941 (VCV001309941.2), dbSNP rs1650502695, ClinGen allele CA338404318.